The following is an entry in ClinVar:

NM_006206.6(PDGFRA):c.345G>A (p.Arg115=)

Gene: PDGFRA (platelet derived growth factor receptor alpha; plus strand). Cytogenetic location: 4q12.
Variant type: single nucleotide variant.
Coding change: c.345G>A on transcript NM_006206.6 (MANE Select); coding-DNA position 345, G replaced by A.
Protein change: p.Arg115=; no amino-acid change (arginine 115 retained).
Molecular consequence: synonymous variant.
Genome position (GRCh38, 1-based): chr4:54,261,390, G>A. VCF-style: chr4-54261390-G-A. GRCh37 (hg19) VCF-style: chr4-55127557-G-A.
Other names: c.345G>A, p.Arg115= (NM_001347827.2, NM_001347829.2); c.420G>A, p.Arg140= (NM_001347828.2); c.384G>A, p.Arg128= (NM_001347830.2).
Identifiers: ClinVar variation 823797 (VCV000823797.19), dbSNP rs778510648, ClinGen allele CA2922268.

ClinVar aggregate classification (germline): Conflicting classifications of pathogenicity. Review status: criteria provided, conflicting classifications (1 of 4 stars). 5 submissions from 4 submitters: Uncertain significance (2); Benign (1); Likely benign (2). Last evaluated 2026-06-16.

Conditions:
Hereditary cancer-predisposing syndrome. Also called: Neoplastic Syndromes, Hereditary; Tumor predisposition; Hereditary Cancer Syndrome; Hereditary neoplastic syndrome. Identifiers: Orphanet 140162, MedGen C0027672, MeSH D009386, MONDO:0015356.
Polyps, multiple and recurrent inflammatory fibroid, gastrointestinal. Identifiers: MedGen C5193005, MONDO:0008285, OMIM 175510.
Gastrointestinal stromal tumor. Also called: Gastrointestinal stromal tumor, somatic; Gastrointestinal stroma tumor. Identifiers: Orphanet 44890, MedGen C0238198, MeSH D046152, MONDO:0011719, OMIM 606764, HP:0100723.
Idiopathic hypereosinophilic syndrome (HES). Identifiers: Orphanet 3260, MedGen C0206141, MONDO:0011895, OMIM 607685. Disease mechanism: gain of function.

Allele frequency attached by ClinVar (database versions not stated): gnomAD 0.00001; gnomAD exomes 0.00001; TOPMed 0.00001; ExAC 0.00002.
gnomAD v4.1: 6 of 1,613,868 alleles (0.00037%); highest among the groups gnomAD compares: African/African-American, 0.0027%; no homozygotes.

Submissions (5):

Myriad Genetics, Inc.
Classification: Benign for Polyps, multiple and recurrent inflammatory fibroid, gastrointestinal. Last evaluated: 2026-06-16. Review status: criteria provided, single submitter. Criteria: Myriad Autosomal Dominant, Autosomal Recessive and X-Linked Classification Criteria (2023). Collection method: clinical testing. Allele origin: unknown.
Comment: This variant is considered benign. This variant is a silent/synonymous amino acid change and it is not expected to impact splicing.

Labcorp Genetics (formerly Invitae), Labcorp
Classification: Likely benign for Gastrointestinal stromal tumor. Last evaluated: 2025-11-03. Review status: criteria provided, single submitter. Criteria: Invitae Variant Classification Sherloc (09022015). Collection method: clinical testing. Allele origin: germline.

Ambry Genetics
Classification: Likely benign for Hereditary cancer-predisposing syndrome. Last evaluated: 2019-11-12. Review status: criteria provided, single submitter. Criteria: Ambry Variant Classification Scheme 2023. Collection method: clinical testing. Allele origin: germline.

Illumina Laboratory Services, Illumina
Classification: Uncertain significance for Gastrointestinal stromal tumor. Last evaluated: 2018-01-13. Review status: criteria provided, single submitter. Criteria: ICSL Variant Classification Criteria 13 December 2019. Collection method: clinical testing. Allele origin: germline.

Illumina Laboratory Services, Illumina
Classification: Uncertain significance for Idiopathic hypereosinophilic syndrome. Last evaluated: 2018-01-13. Review status: criteria provided, single submitter. Criteria: ICSL Variant Classification Criteria 13 December 2019. Collection method: clinical testing. Allele origin: germline.